The following is an entry in ClinVar:

NM_178539.5(TAFA2):c.-1-11362_-1-8510del

Gene: TAFA2 (TAFA chemokine like family member 2; minus strand). Cytogenetic location: 12q14.1.
Variant type: Deletion.
Coding change: c.-1-11362_-1-8510del on transcript NM_178539.5 (MANE Select); 11362 bases into the intron before 1 bases upstream of the start codon through 8510 bases into the intron before 1 bases upstream of the start codon, 2,853 bases deleted.
Molecular consequence: intron variant.
Genome position (GRCh38, 1-based): chr12:61,875,936-61,878,788, 2,853 bases deleted. GRCh37 (hg19): chr12:62,269,718-62,272,570.
Identifiers: ClinVar variation 157254 (VCV000157254.2), ClinGen allele CA212338.

ClinVar aggregate classification (germline): not provided (0 of 4 stars; one submission).

Conditions:
Normal pregnancy. Identifiers: MedGen C0232989.

Submission:

Institute of Molecular and Cell Biology, University of Tartu
No classification provided. Condition: Normal pregnancy. Review status: no classification provided. Collection method: case-control. Allele origin: unknown. Affected: yes. Study: Kasak2014.
Comment: The study aimed to determine the contribution of copy number variants in the genetic etiology of normal and complicated pregnancies. The samples represented (i) maternal blood DNA drawn from healthy pregnant women during 1st or 2nd trimester and (ii) maternal and paternal blood DNA drawn at term pregnancy cases representing normal and complicated gestations (severe preeclampsia, PE; gestational diabetes, GD; small-for-gestational age newborn, SGA; large-for-gestational age newborn, LGA). We performed CNV calling based on genome-wide genotyping dataset (Illumina HumanOmniExpress-24-v1 BeadChip) by applying three algorithms, QuantiSNP, GADA (Genome Alteration Detection Algorithm) and CNstream in parallel. The acquired CNV calls were merged with HD-CNV (Hotspot Detector for Copy Number Variants) program and only the CNVs predicted by at least two programs, were considered in subsequent analysis.

Literature cited by the submitters: PubMed 25666259.